The following is an entry in ClinVar:

ClinVar aggregate classification (germline): Conflicting classifications of pathogenicity. Review status: criteria provided, conflicting classifications (1 of 4 stars). 2 submissions from 2 submitters: Pathogenic (1); Uncertain significance (1). Last evaluated 2026-09-01.

Conditions:
Hypophosphatasia. Also called: Phosphoethanol-aminuria. Identifiers: Orphanet 436, MedGen C0020630, MeSH D007014, MONDO:0018570.

gnomAD v4.1: 3 of 1,613,670 alleles (0.00019%); highest among the groups gnomAD compares: Non-Finnish European, 0.00025%; no homozygotes.

Submissions (2):

Genomenon, Inc
Classification: Uncertain significance for Hypophosphatasia. Last evaluated: 2026-09-01. Review status: criteria provided, single submitter. Criteria: Genomenon Sequence Variant Interpretation Standards - Updated. Collection method: curation. Allele origin: germline. Affected: yes.
Comment: ALPL p.Thr389Ala (c.1165A>G) is a missense variant that changes the amino acid at codon 389 from Threonine to Alanine. This variant has been observed in at least one proband affected with an ALPL-related disorder (PMID:28401263). It is absent or not present at a significant frequency in gnomAD. In conclusion, we classify ALPL p.Thr389Ala (c.1165A>G) as a variant of uncertain significance.

Labcorp Genetics (formerly Invitae), Labcorp
Classification: Pathogenic. Last evaluated: 2025-03-17. Review status: criteria provided, single submitter. Criteria: Invitae Variant Classification Sherloc (09022015). Collection method: clinical testing. Allele origin: germline.
Comment: This sequence change replaces threonine, which is neutral and polar, with alanine, which is neutral and non-polar, at codon 389 of the ALPL protein (p.Thr389Ala). This variant is present in population databases (rs774870859, gnomAD 0.002%). This missense change has been observed in individuals with clinical features of ALPL-related conditions (PMID: 28401263; internal data). Invitae Evidence Modeling of protein sequence and biophysical properties (such as structural, functional, and spatial information, amino acid conservation, physicochemical variation, residue mobility, and thermodynamic stability) indicates that this missense variant is expected to disrupt ALPL protein function with a positive predictive value of 95%. This variant disrupts the p.Thr389Asn amino acid residue in ALPL. Other variant(s) that disrupt this residue have been determined to be pathogenic (PMID: 24022022, 27998428). This suggests that this residue is clinically significant, and that variants that disrupt this residue are likely to be disease-causing. For these reasons, this variant has been classified as Pathogenic.

Literature cited by the submitters: PubMed 28401263 (cited by Genomenon, Inc and Labcorp Genetics (formerly Invitae), Labcorp); PubMed 24022022 (cited by Labcorp Genetics (formerly Invitae), Labcorp); PubMed 27998428 (cited by Labcorp Genetics (formerly Invitae), Labcorp).

NM_000478.6(ALPL):c.1165A>G (p.Thr389Ala)

Gene: ALPL (alkaline phosphatase, biomineralization associated; plus strand). Cytogenetic location: 1p36.12.
Variant type: single nucleotide variant.
Coding change: c.1165A>G on transcript NM_000478.6 (MANE Select); coding-DNA position 1165, A replaced by G.
Protein change: p.Thr389Ala; replaces threonine 389 with alanine.
Molecular consequence: missense variant.
Genome position (GRCh38, 1-based): chr1:21,575,900, A>G. VCF-style: chr1-21575900-A-G. GRCh37 (hg19) VCF-style: chr1-21902393-A-G.
Other names: c.1000A>G, p.Thr334Ala (NM_001127501.4); c.934A>G, p.Thr312Ala (NM_001177520.3); c.1165A>G, p.Thr389Ala (NM_001369803.2, NM_001369804.2, NM_001369805.2); short protein forms T312A, T334A, T389A.
Identifiers: ClinVar variation 3720177 (VCV003720177.4).